The following is an entry in ClinVar:

ClinVar aggregate classification (germline): Likely benign. Review status: criteria provided, multiple submitters, no conflicts (2 of 4 stars). 3 submissions from 3 submitters: Likely benign (3). Last evaluated 2026-01-05.

Submissions (3):

Labcorp Genetics (formerly Invitae), Labcorp
Classification: Likely benign. Last evaluated: 2026-01-05. Review status: criteria provided, single submitter. Criteria: Invitae Variant Classification Sherloc (09022015). Collection method: clinical testing. Allele origin: germline.

Mayo Clinic Laboratories, Mayo Clinic
Classification: Likely benign. Last evaluated: 2025-01-14. Review status: criteria provided, single submitter. Criteria: ACMG Guidelines, 2015. Collection method: clinical testing. Allele origin: germline. Observed: 1 variant allele.
Comment: BP4, BP7

Blueprint Genetics
Classification: Likely benign. Last evaluated: 2024-10-14. Review status: criteria provided, single submitter. Criteria: ACMG Guidelines, 2015. Collection method: clinical testing. Allele origin: germline.

NM_003047.5(SLC9A1):c.1486-8dup

Gene: SLC9A1 (solute carrier family 9 member A1; minus strand). Cytogenetic location: 1p36.11.
Variant type: Duplication.
Coding change: c.1486-8dup on transcript NM_003047.5 (MANE Select); 8 bases into the intron before coding-DNA position 1486, one base duplicated (C; older notation c.1486-8dupC).
Molecular consequence: intron variant.
Genome position (GRCh38, 1-based): chr1:27,103,315, G duplicated on the plus strand (C on the coding strand, the reverse complement: SLC9A1 is on the minus strand); the first of 6 consecutive G bases (chr1:27,103,315-27,103,320); duplicating any one gives the same sequence. VCF-style (leftmost placement, unchanged base first): chr1-27103314-T-TG. GRCh37 (hg19) VCF-style: chr1-27429805-T-TG.
Other names: p.?; c.1486-3dup (NM_003047.5).
Identifiers: ClinVar variation 785789 (VCV000785789.9), dbSNP rs769398918, ClinGen allele CA711074.